The following is an entry in ClinVar:

NM_000051.4(ATM):c.8288G>A (p.Arg2763Gln)

Genes: ATM (ATM serine/threonine kinase; plus strand), C11orf65 (chromosome 11 open reading frame 65; minus strand). Cytogenetic location: 11q22.3.
Variant type: single nucleotide variant.
Coding change: c.8288G>A on transcript NM_000051.4 (MANE Select); coding-DNA position 8288, G replaced by A.
Protein change: p.Arg2763Gln; replaces arginine 2763 with glutamine.
Molecular consequence: missense variant. On other transcripts: intron variant (2).
Genome position (GRCh38, 1-based): chr11:108,343,241, G>A. VCF-style: chr11-108343241-G-A. GRCh37 (hg19) VCF-style: chr11-108213968-G-A.
Other names: c.8288G>A, p.Arg2763Gln (NM_001351834.2); c.641-34170C>T (NM_001330368.2); c.695-7949C>T (NM_001351110.2); short protein forms R2763Q.
Identifiers: ClinVar variation 453727 (VCV000453727.31), dbSNP rs551411717, ClinGen allele CA6266346.

ClinVar aggregate classification (germline): Uncertain significance. Review status: criteria provided, multiple submitters, no conflicts (2 of 4 stars). 7 submissions from 7 submitters: Uncertain significance (6). 1 of the submissions does not count toward it. Last evaluated 2025-08-05.

Conditions:
Hereditary cancer-predisposing syndrome. Also called: Neoplastic Syndromes, Hereditary; Hereditary Cancer Syndrome; Tumor predisposition; Hereditary neoplastic syndrome. Identifiers: Orphanet 140162, MedGen C0027672, MeSH D009386, MONDO:0015356.
Familial cancer of breast. Also called: Hereditary breast cancer; BREAST CANCER, FAMILIAL; hereditary breast carcinoma. Identifiers: Orphanet 227535, MedGen C0346153, MONDO:0016419, OMIM 114480. Disease mechanism: loss of function.
Ataxia-telangiectasia syndrome (AT). Also called: LOUIS-BAR SYNDROME; Cerebello-oculocutaneous telangiectasia; Immunodeficiency with ataxia telangiectasia; Ataxia-telangiectasia, complementation group D; AT, COMPLEMENTATION GROUP C; Ataxia-telangiectasia, complementation group E. Identifiers: Orphanet 100, MedGen C0004135, MONDO:0008840, OMIM 208900.

Allele frequency attached by ClinVar (database versions not stated): TOPMed below 0.00001; ExAC 0.00001; 1000 Genomes Project 30x 0.00031; gnomAD exomes below 0.00001; gnomAD 0.00001 and 0.00002; 1000 Genomes Project 0.00020.
gnomAD v4.1: 7 of 1,613,962 alleles (0.00043%); highest among the groups gnomAD compares: African/African-American, 0.0027%; no homozygotes.

Submissions (7):

Labcorp Genetics (formerly Invitae), Labcorp
Classification: Uncertain significance for Ataxia-telangiectasia syndrome. Last evaluated: 2025-08-05. Review status: criteria provided, single submitter. Criteria: Invitae Variant Classification Sherloc (09022015). Collection method: clinical testing. Allele origin: germline.
Comment: This sequence change replaces arginine, which is basic and polar, with glutamine, which is neutral and polar, at codon 2763 of the ATM protein (p.Arg2763Gln). This variant is present in population databases (rs551411717, gnomAD 0.007%). This variant has not been reported in the literature in individuals affected with ATM-related conditions. ClinVar contains an entry for this variant (Variation ID: 453727). Invitae Evidence Modeling of protein sequence and biophysical properties (such as structural, functional, and spatial information, amino acid conservation, physicochemical variation, residue mobility, and thermodynamic stability) indicates that this missense variant is not expected to disrupt ATM protein function with a negative predictive value of 95%. RNA analysis performed to evaluate the impact of this missense change on mRNA splicing indicates it does not significantly alter splicing (internal data). In summary, the available evidence is currently insufficient to determine the role of this variant in disease. Therefore, it has been classified as a Variant of Uncertain Significance.

Ambry Genetics
Classification: Uncertain significance for Hereditary cancer-predisposing syndrome. Last evaluated: 2024-04-01. Review status: criteria provided, single submitter. Criteria: Ambry Variant Classification Scheme 2023. Collection method: clinical testing. Allele origin: germline.
Comment: The p.R2763Q variant (also known as c.8288G>A), located in coding exon 56 of the ATM gene, results from a G to A substitution at nucleotide position 8288. The arginine at codon 2763 is replaced by glutamine, an amino acid with highly similar properties. This amino acid position is highly conserved in available vertebrate species. In addition, the in silico prediction for this alteration is inconclusive. Since supporting evidence is limited at this time, the clinical significance of this alteration remains unclear.

Baylor Genetics
Classification: Uncertain significance for Familial cancer of breast. Last evaluated: 2023-12-08. Review status: criteria provided, single submitter. Criteria: ACMG Guidelines, 2015. Collection method: clinical testing. Allele origin: unknown.

GeneDx
Classification: Uncertain significance. Last evaluated: 2022-03-18. Review status: criteria provided, single submitter. Criteria: GeneDx Variant Classification Process June 2021. Collection method: clinical testing. Allele origin: germline. Affected: yes.
Comment: Not observed at significant frequency in large population cohorts (gnomAD); In silico analysis supports that this missense variant has a deleterious effect on protein structure/function; Observed in an individual with ovarian cancer, however other potentially causative variants were also detected in this individual (Tomioka 2021); This variant is associated with the following publications: (PMID: 23532176, 34608183)

Color Diagnostics, LLC DBA Color Health
Classification: Uncertain significance for Hereditary cancer-predisposing syndrome. Last evaluated: 2022-01-24. Review status: criteria provided, single submitter. Criteria: ACMG Guidelines, 2015. Collection method: clinical testing. Allele origin: germline.
Comment: This missense variant replaces arginine with glutamine at codon 2763 of the ATM protein. Computational prediction suggests that this variant may not impact protein structure and function (internally defined REVEL score threshold <= 0.5, PMID: 27666373). To our knowledge, functional studies have not been reported for this variant. This variant has not been reported in individuals affected with hereditary cancer in the literature. This variant has been identified in 1/251368 chromosomes in the general population by the Genome Aggregation Database (gnomAD). The available evidence is insufficient to determine the role of this variant in disease conclusively. Therefore, this variant is classified as a Variant of Uncertain Significance.

Genome-Nilou Lab
Classification: Uncertain significance for Ataxia-telangiectasia syndrome. Last evaluated: 2021-07-14. Review status: criteria provided, single submitter. Criteria: ACMG Guidelines, 2015. Collection method: clinical testing. Allele origin: germline. Affected: no.

Natera, Inc.
Classification: Uncertain significance for Ataxia-telangiectasia. Last evaluated: 2020-09-09. Review status: no assertion criteria provided. Collection method: clinical testing. Allele origin: germline. Not counted in ClinVar's aggregate classification.